The following is an entry in ClinVar:

ClinVar aggregate classification (germline): Uncertain significance (1 of 4 stars; one submission).

Conditions:
Febrile seizures, familial, 11 (FEB11). Also called: CONVULSIONS, FAMILIAL FEBRILE, 11. Identifiers: MedGen C3280734, MONDO:0024566, OMIM 614418.

Submission:

Labcorp Genetics (formerly Invitae), Labcorp
Classification: Uncertain significance for Febrile seizures, familial, 11. Last evaluated: 2022-12-06. Review status: criteria provided, single submitter. Criteria: Invitae Variant Classification Sherloc (09022015). Collection method: clinical testing. Allele origin: germline.
Comment: This variant, c.488_490del, results in the deletion of 1 amino acid(s) of the CPA6 protein (p.Phe163del), but otherwise preserves the integrity of the reading frame. This variant is not present in population databases (gnomAD no frequency). This variant has not been reported in the literature in individuals affected with CPA6-related conditions. ClinVar contains an entry for this variant (Variation ID: 653748). Experimental studies and prediction algorithms are not available or were not evaluated, and the functional significance of this variant is currently unknown. In summary, the available evidence is currently insufficient to determine the role of this variant in disease. Therefore, it has been classified as a Variant of Uncertain Significance.

NM_020361.5(CPA6):c.488_490del (p.Phe163del)

Gene: CPA6 (carboxypeptidase A6; minus strand). Cytogenetic location: 8q13.2.
Variant type: Deletion.
Coding change: c.488_490del on transcript NM_020361.5 (MANE Select); coding-DNA positions 488 to 490, 3 bases deleted (TCT; older notation c.488_490delTCT).
Protein change: p.Phe163del; deletes phenylalanine 163.
Molecular consequence: inframe deletion.
Genome position (GRCh38, 1-based): chr8:67,509,561-67,509,563, AGA deleted on the plus strand (TCT on the coding strand, the reverse complement: CPA6 is on the minus strand); deleting any 3 consecutive bases within chr8:67,509,561-67,509,564 gives the same sequence; the c. name uses the placement nearest the transcript's 3' end. VCF-style (leftmost placement, unchanged base first): chr8-67509560-GAGA-G. GRCh37 (hg19) VCF-style: chr8-68421795-GAGA-G.
Other names: short protein forms F163del.
Identifiers: ClinVar variation 653748 (VCV000653748.8), dbSNP rs1587505484, ClinGen allele CA915945730.